The following is an entry in ClinVar:

ClinVar aggregate classification (germline): Uncertain significance. Review status: criteria provided, multiple submitters, no conflicts (2 of 4 stars). 4 submissions from 4 submitters: Uncertain significance (4). Last evaluated 2025-07-31.

Conditions:
Inborn genetic diseases. Identifiers: MedGen C0950123, MeSH D030342.
Holoprosencephaly 9 (HPE9). Also called: HOLOPROSENCEPHALY WITH MICROPHTHALMIA AND FIRST BRANCHIAL ARCH ANOMALIES; PITUITARY ANOMALIES WITH HOLOPROSENCEPHALY-LIKE FEATURES. Identifiers: Orphanet 2162, MedGen C1835819, MONDO:0012563, OMIM 610829.

Allele frequency attached by ClinVar (database versions not stated): gnomAD 0.00001; TOPMed 0.00003.
gnomAD v4.1: 85 of 1,610,998 alleles (0.0053%); highest among the groups gnomAD compares: Non-Finnish European, 0.0068%; no homozygotes.

Submissions (4):

Ambry Genetics
Classification: Uncertain significance for Inborn genetic diseases. Last evaluated: 2025-07-31. Review status: criteria provided, single submitter. Criteria: Ambry Variant Classification Scheme 2023. Collection method: clinical testing. Allele origin: germline.

CeGaT Center for Human Genetics Tuebingen
Classification: Uncertain significance. Last evaluated: 2025-04-01. Review status: criteria provided, single submitter. Criteria: CeGaT Center For Human Genetics Tuebingen Variant Classification Criteria Version 2. Collection method: clinical testing. Allele origin: germline. Affected: yes. Observed: 1 variant allele.

GeneDx
Classification: Uncertain significance. Last evaluated: 2019-11-27. Review status: criteria provided, single submitter. Criteria: GeneDx Variant Classification Process June 2021. Collection method: clinical testing. Allele origin: germline. Affected: yes.
Comment: Not observed at a significant frequency in large population cohorts (Lek et al., 2016); In silico analysis, which includes protein predictors and evolutionary conservation, supports a deleterious effect; Has not been previously published as pathogenic or benign to our knowledge

Illumina Laboratory Services, Illumina
Classification: Uncertain significance for Holoprosencephaly 9. Last evaluated: 2018-01-13. Review status: criteria provided, single submitter. Criteria: ICSL Variant Classification Criteria 13 December 2019. Collection method: clinical testing. Allele origin: germline.

NM_001374353.1(GLI2):c.152C>G (p.Pro51Arg)

Gene: GLI2 (GLI family zinc finger 2; plus strand). Cytogenetic location: 2q14.2.
Variant type: single nucleotide variant.
Coding change: c.152C>G on transcript NM_001374353.1 (MANE Select); coding-DNA position 152, C replaced by G.
Protein change: p.Pro51Arg; replaces proline 51 with arginine.
Molecular consequence: missense variant. On other transcripts: intron variant (1).
Genome position (GRCh38, 1-based): chr2:120,927,364, C>G. VCF-style: chr2-120927364-C-G. GRCh37 (hg19) VCF-style: chr2-121684940-C-G.
Other names: c.152C>G, p.Pro51Arg (NM_001371271.1, NM_005270.5); c.-121-23879C>G (NM_001374354.1); short protein forms P51R.
Identifiers: ClinVar variation 893360 (VCV000893360.16), dbSNP rs780172791, ClinGen allele CA1851437.